The following is an entry in ClinVar:

ClinVar aggregate classification (germline): Uncertain significance (1 of 4 stars; one submission).

Allele frequency attached by ClinVar (database versions not stated): gnomAD exomes 0.00001; TOPMed 0.00002.
gnomAD v4.1: 10 of 1,417,514 alleles (0.00071%); highest among the groups gnomAD compares: Non-Finnish European, 0.00093%; no homozygotes.

Submission:

CeGaT Center for Human Genetics Tuebingen
Classification: Uncertain significance. Last evaluated: 2024-02-01. Review status: criteria provided, single submitter. Criteria: CeGaT Center For Human Genetics Tuebingen Variant Classification Criteria Version 2. Collection method: clinical testing. Allele origin: germline. Affected: yes. Observed: 1 variant allele.
Comment: ADGRV1: PM2, BP4

NM_032119.4(ADGRV1):c.454-3T>C

Gene: ADGRV1 (adhesion G protein-coupled receptor V1; plus strand). Cytogenetic location: 5q14.3.
Variant type: single nucleotide variant.
Coding change: c.454-3T>C on transcript NM_032119.4 (MANE Select); 3 bases into the intron before coding-DNA position 454, T replaced by C.
Molecular consequence: intron variant.
Genome position (GRCh38, 1-based): chr5:90,622,594, T>C. VCF-style: chr5-90622594-T-C. GRCh37 (hg19) VCF-style: chr5-89918411-T-C.
Identifiers: ClinVar variation 3027152 (VCV003027152.22), dbSNP rs926218257, ClinGen allele CA121821933.